The following is an entry in ClinVar:

ClinVar aggregate classification (germline): Uncertain significance (1 of 4 stars; one submission).

Conditions:
Snijders Blok-Campeau syndrome. Also called: INTELLECTUAL DEVELOPMENTAL DISORDER WITH MACROCEPHALY, SPEECH DELAY, AND DYSMORPHIC FACIES. Identifiers: Orphanet 599082, MedGen C4748701, MONDO:0032600, OMIM 618205.

Submission:

Institute of Human Genetics, University of Goettingen
Classification: Uncertain significance for Snijders Blok-Campeau syndrome. Last evaluated: 2024-12-02. Review status: criteria provided, single submitter. Criteria: ACMG Guidelines, 2015. Collection method: clinical testing. Allele origin: de novo. Inheritance: Autosomal dominant inheritance. Affected: yes. Observed: 1 heterozygote.
Comment: The variant c.237_242dup p.(Pro81_Pro82dup) in exon 3 of the CHD3 gene is not found in the gnomAD database and leads to the duplication of the amino acid residue Pro81 and Pro82. ACMG criteria used for classification: PM2_sup, PM4, PM6.

NM_001005271.3(CHD3):c.222GCC[9] (p.Pro82_Leu83insProPro)

Genes: CHD3 (chromodomain helicase DNA binding protein 3; plus strand), NAA38 (N-alpha-acetyltransferase 38, NatC auxiliary subunit; minus strand). Cytogenetic location: 17p13.1.
Variant type: Microsatellite.
Coding change: c.222GCC[9] on transcript NM_001005271.3; nine copies in a row of the 3-base unit GCC starting at c.222; the reference has seven copies in a row; two copies, 6 bases duplicated; also written c.237_242dup.
Protein change: p.Pro82_Leu83insProPro.
Molecular consequence: inframe insertion. On other transcripts: intron variant (1).
Genome position (GRCh38, 1-based): chr17:7,885,043-7,885,048, GCCGCC duplicated; duplicating any 6 consecutive bases within chr17:7,885,026-7,885,048 gives the same sequence; the position shown is the placement nearest the transcript's 3' end. VCF-style (leftmost placement, unchanged base first): chr17-7885025-C-CCCGCCG. GRCh37 (hg19) VCF-style: chr17-7788343-C-CCCGCCG.
Other names: c.237_242dup (NM_001005271.3); c.222GCC[9], p.Pro82_Leu83insProPro (NM_001437504.1, NM_001437507.1, NM_001437508.1 and 1 more transcripts); c.-167+119CGG[9] (NM_001330111.2).
Identifiers: ClinVar variation 3901091 (VCV003901091.1).